The following is an entry in ClinVar:

NM_002972.4(SBF1):c.1364C>T (p.Ala455Val)

Gene: SBF1 (SET binding factor 1; minus strand). Cytogenetic location: 22q13.33.
Variant type: single nucleotide variant.
Coding change: c.1364C>T on transcript NM_002972.4 (MANE Select); coding-DNA position 1364, C replaced by T.
Protein change: p.Ala455Val; replaces alanine 455 with valine.
Molecular consequence: missense variant.
Genome position (GRCh38, 1-based): chr22:50,464,886, G>A on the plus strand (C>T on the coding strand, the complement: SBF1 is on the minus strand). VCF-style: chr22-50464886-G-A. GRCh37 (hg19) VCF-style: chr22-50903315-G-A.
Other names: c.1367C>T, p.Ala456Val (NM_001365819.1); c.1364C>T (NM_002972.2); short protein forms A456V, A455V.
Identifiers: ClinVar variation 1493991 (VCV001493991.7), dbSNP rs372926692, ClinGen allele CA10317704.

ClinVar aggregate classification (germline): Conflicting classifications of pathogenicity. Review status: criteria provided, conflicting classifications (1 of 4 stars). 5 submissions from 5 submitters: Uncertain significance (4); Benign (1). Last evaluated 2025-08-28.

Conditions:
Tip-toe gait. Also called: Toe walking. Identifiers: MedGen C0427144, HP:0030051.

Allele frequency attached by ClinVar (database versions not stated): gnomAD 0.00003 and 0.00004; TOPMed 0.00005; ExAC 0.00006; gnomAD exomes 0.00008 and 0.00031; 1000 Genomes Project 30x 0.00016; ESP Exome Variant Server 0.00016; 1000 Genomes Project 0.00020.
gnomAD v4.1: 444 of 1,613,674 alleles (0.028%); highest among the groups gnomAD compares: Non-Finnish European, 0.037%; 1 homozygote.

Submissions (5):

Ambry Genetics
Classification: Uncertain significance. Last evaluated: 2025-08-28. Review status: criteria provided, single submitter. Criteria: Ambry Variant Classification Scheme 2023. Collection method: clinical testing. Allele origin: germline.

Labcorp Genetics (formerly Invitae), Labcorp
Classification: Uncertain significance. Last evaluated: 2022-07-30. Review status: criteria provided, single submitter. Criteria: Invitae Variant Classification Sherloc (09022015). Collection method: clinical testing. Allele origin: germline.
Comment: This sequence change replaces alanine, which is neutral and non-polar, with valine, which is neutral and non-polar, at codon 455 of the SBF1 protein (p.Ala455Val). This variant is present in population databases (rs372926692, gnomAD 0.02%). This variant has not been reported in the literature in individuals affected with SBF1-related conditions. ClinVar contains an entry for this variant (Variation ID: 1493991). Algorithms developed to predict the effect of missense changes on protein structure and function (SIFT, PolyPhen-2, Align-GVGD) all suggest that this variant is likely to be tolerated. In summary, the available evidence is currently insufficient to determine the role of this variant in disease. Therefore, it has been classified as a Variant of Uncertain Significance.

Clinical Genetics Laboratory, Skane University Hospital Lund
Classification: Uncertain significance. Last evaluated: 2022-05-27. Review status: criteria provided, single submitter. Criteria: ACMG Guidelines, 2015. Collection method: clinical testing. Allele origin: germline. Affected: yes.

Practice for Gait Abnormalities, David Pomarino, Competency Network Toe Walking C/o Practice Pomarino
Classification: Benign for Tip-toe gait. Last evaluated: 2021-12-20. Review status: criteria provided, single submitter. Criteria: Pomarino et al. (Glob Med Genet. 2026). Collection method: clinical testing. Allele origin: germline. Affected: yes.

Breakthrough Genomics
Classification: Uncertain significance. Review status: criteria provided, single submitter. Criteria: ACMG Guidelines, 2015. Collection method: not provided. Allele origin: germline. Inheritance: Autosomal dominant inheritance. Affected: yes.